The following is an entry in ClinVar:

ClinVar aggregate classification (germline): Conflicting classifications of pathogenicity. Review status: criteria provided, conflicting classifications (1 of 4 stars). 2 submissions from 2 submitters: Uncertain significance (1); Likely benign (1). Last evaluated 2026-05-01.

gnomAD v4.1: 38 of 1,614,018 alleles (0.0024%); highest among the groups gnomAD compares: East Asian, 0.0067%; no homozygotes.

Submissions (2):

CeGaT Center for Human Genetics Tuebingen
Classification: Likely benign. Last evaluated: 2026-05-01. Review status: criteria provided, single submitter. Criteria: CeGaT Center For Human Genetics Tuebingen Variant Classification Criteria Version 2. Collection method: clinical testing. Allele origin: germline. Affected: yes. Observed: 1 variant allele.
Comment: GPRC5B: BS2

Ambry Genetics
Classification: Uncertain significance. Last evaluated: 2025-08-05. Review status: criteria provided, single submitter. Criteria: Ambry Variant Classification Scheme 2023. Collection method: clinical testing. Allele origin: germline.

NM_016235.3(GPRC5B):c.182C>T (p.Ala61Val)

Gene: GPRC5B (G protein-coupled receptor class C group 5 member B; minus strand). Cytogenetic location: 16p12.3.
Variant type: single nucleotide variant.
Coding change: c.182C>T on transcript NM_016235.3 (MANE Select); coding-DNA position 182, C replaced by T.
Protein change: p.Ala61Val; replaces alanine 61 with valine.
Molecular consequence: missense variant.
Genome position (GRCh38, 1-based): chr16:19,872,664, G>A on the plus strand (C>T on the coding strand, the complement: GPRC5B is on the minus strand). VCF-style: chr16-19872664-G-A. GRCh37 (hg19) VCF-style: chr16-19883986-G-A.
Other names: c.575C>T, p.Ala192Val (NM_001304771.1); short protein forms A192V, A61V.
Identifiers: ClinVar variation 4266380 (VCV004266380.3).